The following is an entry in ClinVar:

ClinVar aggregate classification (germline): Uncertain significance. Review status: criteria provided, multiple submitters, no conflicts (2 of 4 stars). 2 submissions from 2 submitters: Uncertain significance (2). Last evaluated 2024-11-04.

Allele frequency attached by ClinVar (database versions not stated): ExAC 0.00004; gnomAD exomes 0.00004 and 0.00001; gnomAD 0.00007 and 0.00008; TOPMed 0.00009; 1000 Genomes Project 0.00020; 1000 Genomes Project 30x 0.00031.
gnomAD v4.1: 26 of 1,614,042 alleles (0.0016%); highest among the groups gnomAD compares: African/African-American, 0.029%; no homozygotes.

Submissions (2):

Labcorp Genetics (formerly Invitae), Labcorp
Classification: Uncertain significance. Last evaluated: 2024-11-04. Review status: criteria provided, single submitter. Criteria: Invitae Variant Classification Sherloc (09022015). Collection method: clinical testing. Allele origin: germline.
Comment: This sequence change replaces glutamic acid, which is acidic and polar, with lysine, which is basic and polar, at codon 438 of the CYP4V2 protein (p.Glu438Lys). This variant is present in population databases (rs558238506, gnomAD 0.04%). This variant has not been reported in the literature in individuals affected with CYP4V2-related conditions. ClinVar contains an entry for this variant (Variation ID: 853684). Invitae Evidence Modeling of protein sequence and biophysical properties (such as structural, functional, and spatial information, amino acid conservation, physicochemical variation, residue mobility, and thermodynamic stability) indicates that this missense variant is not expected to disrupt CYP4V2 protein function with a negative predictive value of 95%. In summary, the available evidence is currently insufficient to determine the role of this variant in disease. Therefore, it has been classified as a Variant of Uncertain Significance.

Blueprint Genetics
Classification: Uncertain significance. Last evaluated: 2023-10-12. Review status: criteria provided, single submitter. Criteria: ACMG Guidelines, 2015. Collection method: clinical testing. Allele origin: germline.

NM_207352.4(CYP4V2):c.1312G>A (p.Glu438Lys)

Gene: CYP4V2 (cytochrome P450 family 4 subfamily V member 2; plus strand). Cytogenetic location: 4q35.2.
Variant type: single nucleotide variant.
Coding change: c.1312G>A on transcript NM_207352.4 (MANE Select); coding-DNA position 1312, G replaced by A.
Protein change: p.Glu438Lys; replaces glutamic acid 438 with lysine.
Molecular consequence: missense variant.
Genome position (GRCh38, 1-based): chr4:186,209,179, G>A. VCF-style: chr4-186209179-G-A. GRCh37 (hg19) VCF-style: chr4-187130333-G-A.
Other names: short protein forms E438K.
Identifiers: ClinVar variation 853684 (VCV000853684.9), dbSNP rs558238506, ClinGen allele CA3162825.